The following is an entry in ClinVar:

NM_001128159.3(VPS53):c.489-234T>C

Gene: VPS53 (VPS53 subunit of GARP complex; minus strand). Cytogenetic location: 17p13.3.
Variant type: single nucleotide variant.
Coding change: c.489-234T>C on transcript NM_001128159.3 (MANE Select); 234 bases into the intron before coding-DNA position 489, T replaced by C.
Molecular consequence: intron variant.
Genome position (GRCh38, 1-based): chr17:653,644, A>G on the plus strand (T>C on the coding strand, the complement: VPS53 is on the minus strand). VCF-style: chr17-653644-A-G. GRCh37 (hg19) VCF-style: chr17-556884-A-G.
Other names: c.402-234T>C (NM_018289.4); c.489-234T>C (NM_001366253.2); c.-204-234T>C (NM_001366254.2).
Identifiers: ClinVar variation 670837 (VCV000670837.1), dbSNP rs379998, ClinGen allele CA14367656.
Genomic context (GRCh38, chr17:653,644, plus strand): 5'-CCAAATCCTCAAGGTGACACCATATAGTAAGGGAGAGAGTCAAGTACACATCTAACTAGT[A>G]TCAAAAAGGATGAACTATGTTCTAAACAGAAGTACAAATTATGTGCTACGGCAGGAAGAA-3'

ClinVar aggregate classification (germline): Benign (1 of 4 stars; one submission).

Allele frequency attached by ClinVar (database versions not stated): 1000 Genomes Project 30x 0.27623; 1000 Genomes Project 0.28155; TOPMed 0.32809; gnomAD 0.34368 and 0.34629.
gnomAD v4.1: 52,890 of 152,110 alleles (35%); highest among the groups gnomAD compares: Non-Finnish European, 47%; 11,024 homozygotes.

Submission:

GeneDx
Classification: Benign. Last evaluated: 2018-06-14. Review status: criteria provided, single submitter. Criteria: GeneDx Variant Classification (06012015). Collection method: clinical testing. Allele origin: germline. Affected: yes.
Comment: This variant is considered likely benign or benign based on one or more of the following criteria: it is a conservative change, it occurs at a poorly conserved position in the protein, it is predicted to be benign by multiple in silico algorithms, and/or has population frequency not consistent with disease.